The following is an entry in ClinVar:

NM_000051.4(ATM):c.6980A>G (p.Asn2327Ser)

Genes: ATM (ATM serine/threonine kinase; plus strand), C11orf65 (chromosome 11 open reading frame 65; minus strand). Cytogenetic location: 11q22.3.
Variant type: single nucleotide variant.
Coding change: c.6980A>G on transcript NM_000051.4 (MANE Select); coding-DNA position 6980, A replaced by G.
Protein change: p.Asn2327Ser; replaces asparagine 2327 with serine.
Molecular consequence: missense variant. On other transcripts: intron variant (2).
Genome position (GRCh38, 1-based): chr11:108,327,649, A>G. VCF-style: chr11-108327649-A-G. GRCh37 (hg19) VCF-style: chr11-108198376-A-G.
Other names: c.6980A>G, p.Asn2327Ser (NM_001351834.2); c.641-18578T>C (NM_001330368.2); c.*38+7571T>C (NM_001351110.2); short protein forms N2327S.
Identifiers: ClinVar variation 1756431 (VCV001756431.3), dbSNP rs761587154, ClinGen allele CA382557744.

ClinVar aggregate classification (germline): Uncertain significance (1 of 4 stars; one submission).

Conditions:
Hereditary cancer-predisposing syndrome. Also called: Hereditary neoplastic syndrome; Neoplastic Syndromes, Hereditary; Tumor predisposition; Hereditary Cancer Syndrome. Identifiers: Orphanet 140162, MedGen C0027672, MeSH D009386, MONDO:0015356.

gnomAD v4.1: 1 of 1,613,602 alleles (0.000062%); highest among the groups gnomAD compares: Non-Finnish European, 0.000085%; no homozygotes.

Submission:

Ambry Genetics
Classification: Uncertain significance for Hereditary cancer-predisposing syndrome. Last evaluated: 2025-03-10. Review status: criteria provided, single submitter. Criteria: Ambry Variant Classification Scheme 2023. Collection method: clinical testing. Allele origin: germline.
Comment: The p.N2327S variant (also known as c.6980A>G), located in coding exon 47 of the ATM gene, results from an A to G substitution at nucleotide position 6980. The asparagine at codon 2327 is replaced by serine, an amino acid with highly similar properties. This amino acid position is poorly conserved in available vertebrate species. In addition, this alteration is predicted to be tolerated by in silico analysis. Based on the available evidence, the clinical significance of this variant remains unclear.